The following is an entry in ClinVar:

ClinVar aggregate classification (germline): Uncertain significance (1 of 4 stars; one submission).

Conditions:
Hereditary hemorrhagic telangiectasia (HHT). Also called: ORW DISEASE; Osler Weber Rendu syndrome; OSLER-RENDU-WEBER DISEASE; Osler hemorrhagic telangiectasia syndrome. Identifiers: Orphanet 774, MedGen C0039445, MONDO:0019180. Disease mechanism: loss of function.

Submission:

Labcorp Genetics (formerly Invitae), Labcorp
Classification: Uncertain significance for Hereditary hemorrhagic telangiectasia. Last evaluated: 2022-06-16. Review status: criteria provided, single submitter. Criteria: Invitae Variant Classification Sherloc (09022015). Collection method: clinical testing. Allele origin: germline.
Comment: This variant is not present in population databases (gnomAD no frequency). This variant has not been reported in the literature in individuals affected with ENG-related conditions. Advanced modeling of protein sequence and biophysical properties (such as structural, functional, and spatial information, amino acid conservation, physicochemical variation, residue mobility, and thermodynamic stability) performed at Invitae indicates that this missense variant is not expected to disrupt ENG protein function. In summary, the available evidence is currently insufficient to determine the role of this variant in disease. Therefore, it has been classified as a Variant of Uncertain Significance. This sequence change replaces lysine, which is basic and polar, with asparagine, which is neutral and polar, at codon 439 of the ENG protein (p.Lys439Asn).

NM_001114753.3(ENG):c.1317G>C (p.Lys439Asn)

Genes: ENG (endoglin; minus strand), LOC102723566 (uncharacterized LOC102723566; plus strand). Cytogenetic location: 9q34.11.
Variant type: single nucleotide variant.
Coding change: c.1317G>C on transcript NM_001114753.3 (MANE Select); coding-DNA position 1317, G replaced by C.
Protein change: p.Lys439Asn; replaces lysine 439 with asparagine.
Molecular consequence: missense variant.
Genome position (GRCh38, 1-based): chr9:127,818,827, C>G on the plus strand (G>C on the coding strand, the complement: ENG is on the minus strand). VCF-style: chr9-127818827-C-G. GRCh37 (hg19) VCF-style: chr9-130581106-C-G.
Other names: c.1317G>C, p.Lys439Asn (NM_000118.4); c.771G>C, p.Lys257Asn (NM_001278138.2); short protein forms K439N, K257N.
Identifiers: ClinVar variation 2007526 (VCV002007526.4), dbSNP rs757129437, ClinGen allele CA374977929.